The following is an entry in ClinVar:

ClinVar aggregate classification (germline): Conflicting classifications of pathogenicity. Review status: criteria provided, conflicting classifications (1 of 4 stars). 3 submissions from 3 submitters: Likely pathogenic (1); Uncertain significance (2). Last evaluated 2025-11-22.

Conditions:
Early-infantile DEE. Also called: Early infantile epileptic encephalopathy; Ohtahara syndrome; Early infantile epileptic encephalopathy with suppression bursts. Identifiers: Orphanet 1934, MedGen C0393706, MONDO:0800491.

Allele frequency attached by ClinVar (database versions not stated): TOPMed 0.00002; gnomAD exomes 0.00004; ExAC 0.00008.
gnomAD v4.1: 25 of 1,583,636 alleles (0.0016%); highest among the groups gnomAD compares: Admixed American, 0.0035%; no homozygotes.

Submissions (3):

Labcorp Genetics (formerly Invitae), Labcorp
Classification: Likely pathogenic for Early-infantile DEE. Last evaluated: 2025-11-22. Review status: criteria provided, single submitter. Criteria: Invitae Variant Classification Sherloc (09022015). Collection method: clinical testing. Allele origin: germline.
Comment: This sequence change replaces proline, which is neutral and non-polar, with leucine, which is neutral and non-polar, at codon 772 of the KCNQ2 protein (p.Pro772Leu). This variant is present in population databases (rs774206764, gnomAD 0.006%). This missense change has been observed in individuals with clinical features of developmental and epileptic encephalopathy (internal data). ClinVar contains an entry for this variant (Variation ID: 530457). Invitae Evidence Modeling of protein sequence and biophysical properties (such as structural, functional, and spatial information, amino acid conservation, physicochemical variation, residue mobility, and thermodynamic stability) indicates that this missense variant is not expected to disrupt KCNQ2 protein function with a negative predictive value of 95%. In summary, the currently available evidence indicates that the variant is pathogenic, but additional data are needed to prove that conclusively. Therefore, this variant has been classified as Likely Pathogenic.

CeGaT Center for Human Genetics Tuebingen
Classification: Uncertain significance. Last evaluated: 2025-01-01. Review status: criteria provided, single submitter. Criteria: CeGaT Center For Human Genetics Tuebingen Variant Classification Criteria Version 2. Collection method: clinical testing. Allele origin: germline. Affected: yes. Observed: 1 variant allele.

Women's Health and Genetics/Laboratory Corporation of America, LabCorp
Classification: Uncertain significance. Last evaluated: 2023-10-27. Review status: criteria provided, single submitter. Criteria: LabCorp Variant Classification Summary - May 2015. Collection method: clinical testing. Allele origin: germline.
Comment: Variant summary: KCNQ2 c.2315C>T (p.Pro772Leu) results in a non-conservative amino acid change in the encoded protein sequence. Four of five in-silico tools predict a benign effect of the variant on protein function. The variant allele was found at a frequency of 3.6e-05 in 192192 control chromosomes (gnomAD). The available data on variant occurrences in the general population are insufficient to allow any conclusion about variant significance. c.2315C>T has been reported in the literature as a VUS in the heterozygous state in a setting of WES in an individual affected with epilepsy who also had other putatively pathogenic variants reported in epilepsy-related genes (Al Anazi_2022). This report does not provide unequivocal conclusions about association of the variant with KCNQ2-Related Disorders. To our knowledge, no experimental evidence demonstrating an impact on protein function has been reported. The following publication has been ascertained in the context of this evaluation (PMID: 36539902). One submitter has cited a clinical-significance assessment for this variant to ClinVar after 2014 and has classified the variant as uncertain significance. Based on the evidence outlined above, the variant was classified as uncertain significance.

Literature cited by the submitters: PubMed 36539902 (cited by Women's Health and Genetics/Laboratory Corporation of America, LabCorp).

NM_172107.4(KCNQ2):c.2315C>T (p.Pro772Leu)

Gene: KCNQ2 (potassium voltage-gated channel subfamily Q member 2; minus strand). Cytogenetic location: 20q13.33.
Variant type: single nucleotide variant.
Coding change: c.2315C>T on transcript NM_172107.4 (MANE Select); coding-DNA position 2315, C replaced by T.
Protein change: p.Pro772Leu; replaces proline 772 with leucine.
Molecular consequence: missense variant.
Genome position (GRCh38, 1-based): chr20:63,406,948, G>A on the plus strand (C>T on the coding strand, the complement: KCNQ2 is on the minus strand). VCF-style: chr20-63406948-G-A. GRCh37 (hg19) VCF-style: chr20-62038301-G-A.
Other names: c.2231C>T, p.Pro744Leu (NM_004518.6); c.2261C>T, p.Pro754Leu (NM_172106.3); c.2222C>T, p.Pro741Leu (NM_172108.5); short protein forms P772L, P741L, P744L, P754L.
Identifiers: ClinVar variation 530457 (VCV000530457.25), dbSNP rs774206764, ClinGen allele CA9958102.